The following is an entry in ClinVar:

NM_001308120.2(TOGARAM1):c.2136_2163del (p.Arg712fs)

Gene: TOGARAM1 (TOG array regulator of axonemal microtubules 1; plus strand). Cytogenetic location: 14q21.2.
Variant type: Deletion.
Coding change: c.2136_2163del on transcript NM_001308120.2 (MANE Select); coding-DNA positions 2136 to 2163, 28 bases deleted (AGTATCAAGAAACTTATTTCAGAATAGT).
Protein change: p.Arg712fs; shifts the reading frame from arginine 712.
Molecular consequence: frameshift variant. On other transcripts: non-coding transcript variant (1).
Genome position (GRCh38, 1-based): chr14:44,995,835-44,995,862, AGTATCAAGAAACTTATTTCAGAATAGT deleted. VCF-style (leftmost placement, unchanged base first): chr14-44995834-GAGTATCAAGAAACTTATTTCAGAATAGT-G. GRCh37 (hg19) VCF-style: chr14-45465037-GAGTATCAAGAAACTTATTTCAGAATAGT-G.
Other names: c.2136_2163del, p.Arg712fs (NM_015091.4); short protein forms R712fs.
Identifiers: ClinVar variation 4880821 (VCV004880821.2).

ClinVar aggregate classification (germline): Likely pathogenic (1 of 4 stars; one submission).

Submission:

Dasa
Classification: Likely pathogenic. Last evaluated: 2025-04-11. Review status: criteria provided, single submitter. Criteria: DASA Assertion Criteria. Collection method: clinical testing. Allele origin: germline.
Comment: NM_001308120.2(TOGARAM1):c.2136_2163del (p.Arg712Serfs*50) is a frameshift variant in TOGARAM1 predicted to alter the reading frame and introduce a premature termination codon and is predicted to result in an absent or altered protein product. Loss of function is an established disease mechanism for TOGARAM1-associated disorders. Also, this variant is absent from population databases. Based on the currently available evidence, this variant is classified as likely pathogenic.